The following is an entry in ClinVar:

NM_000301.5(PLG):c.814A>C (p.Thr272Pro)

Gene: PLG (plasminogen; plus strand). Cytogenetic location: 6q26.
Variant type: single nucleotide variant.
Coding change: c.814A>C on transcript NM_000301.5 (MANE Select); coding-DNA position 814, A replaced by C.
Protein change: p.Thr272Pro; replaces threonine 272 with proline.
Molecular consequence: missense variant.
Genome position (GRCh38, 1-based): chr6:160,718,320, A>C. VCF-style: chr6-160718320-A-C. GRCh37 (hg19) VCF-style: chr6-161139352-A-C.
Other names: short protein forms T272P.
Identifiers: ClinVar variation 1908006 (VCV001908006.5), dbSNP rs754598185, ClinGen allele CA4087594.
Genomic context (GRCh38, chr6:160,718,320, plus strand): 5'-ATATATTCATTGTAACTTATTTTGCCCATTCAAGCAACACCTCCACCATCTTCTGGTCCC[A>C]CCTACCAGTGTCTGAAGGGAACAGGTGAAAACTATCGCGGGAATGTGGCTGTTACCGTGT-3'
Protein context (NP_000292.1, residues 262-282): CTTPPPSSGP[Thr272Pro]YQCLKGTGEN

ClinVar aggregate classification (germline): Uncertain significance (1 of 4 stars; one submission).

Allele frequency attached by ClinVar (database versions not stated): ExAC 0.00001.
gnomAD v4.1: 4 of 1,613,868 alleles (0.00025%); highest among the groups gnomAD compares: Non-Finnish European, 0.00034%; no homozygotes.

Submission:

Labcorp Genetics (formerly Invitae), Labcorp
Classification: Uncertain significance. Last evaluated: 2022-09-24. Review status: criteria provided, single submitter. Criteria: Invitae Variant Classification Sherloc (09022015). Collection method: clinical testing. Allele origin: germline.
Comment: This sequence change replaces threonine, which is neutral and polar, with proline, which is neutral and non-polar, at codon 272 of the PLG protein (p.Thr272Pro). This variant is present in population databases (rs754598185, gnomAD 0.002%). This variant has not been reported in the literature in individuals affected with PLG-related conditions. Algorithms developed to predict the effect of missense changes on protein structure and function (SIFT, PolyPhen-2, Align-GVGD) all suggest that this variant is likely to be tolerated. Algorithms developed to predict the effect of sequence changes on RNA splicing suggest that this variant may create or strengthen a splice site. In summary, the available evidence is currently insufficient to determine the role of this variant in disease. Therefore, it has been classified as a Variant of Uncertain Significance.